The following is an entry in ClinVar:

NM_002430.3(MN1):c.757G>C (p.Glu253Gln)

Gene: MN1 (MN1 proto-oncogene, transcriptional regulator; minus strand). Cytogenetic location: 22q12.1.
Variant type: single nucleotide variant.
Coding change: c.757G>C on transcript NM_002430.3 (MANE Select); coding-DNA position 757, G replaced by C.
Protein change: p.Glu253Gln; replaces glutamic acid 253 with glutamine.
Molecular consequence: missense variant.
Genome position (GRCh38, 1-based): chr22:27,799,787, C>G on the plus strand (G>C on the coding strand, the complement: MN1 is on the minus strand). VCF-style: chr22-27799787-C-G. GRCh37 (hg19) VCF-style: chr22-28195775-C-G.
Other names: short protein forms E253Q.
Identifiers: ClinVar variation 1302354 (VCV001302354.2), dbSNP rs2146318202, ClinGen allele CA411050235.

ClinVar aggregate classification (germline): Uncertain significance (1 of 4 stars; one submission).

Submission:

GeneDx
Classification: Uncertain significance. Last evaluated: 2020-10-21. Review status: criteria provided, single submitter. Criteria: GeneDx Variant Classification Process June 2021. Collection method: clinical testing. Allele origin: germline. Affected: yes.
Comment: Not observed in large population cohorts (Lek et al., 2016); In silico analysis supports that this missense variant does not alter protein structure/function; Has not been previously published as pathogenic or benign to our knowledge